The following is an entry in ClinVar:

ClinVar aggregate classification (germline): Pathogenic (1 of 4 stars; one submission).

Conditions:
Chédiak-Higashi syndrome (CHS). Also called: Chediak-Higashi Syndrome. Identifiers: Orphanet 167, MedGen C0007965, MONDO:0008963, OMIM 214500.

Allele frequency attached by ClinVar (database versions not stated): gnomAD exomes below 0.00001; ExAC 0.00001.

Submission:

Labcorp Genetics (formerly Invitae), Labcorp
Classification: Pathogenic for Chédiak-Higashi syndrome. Last evaluated: 2023-05-28. Review status: criteria provided, single submitter. Criteria: Invitae Variant Classification Sherloc (09022015). Collection method: clinical testing. Allele origin: germline.
Comment: For these reasons, this variant has been classified as Pathogenic. This variant has not been reported in the literature in individuals affected with LYST-related conditions. This variant is present in population databases (rs778490429, gnomAD 0.0009%). This sequence change creates a premature translational stop signal (p.Tyr2708Leufs*14) in the LYST gene. It is expected to result in an absent or disrupted protein product. Loss-of-function variants in LYST are known to be pathogenic (PMID: 9215679, 11857544).

Literature cited by the submitters: PubMed 9215679; PubMed 11857544.

NM_000081.4(LYST):c.8122dup (p.Tyr2708fs)

Gene: LYST (lysosomal trafficking regulator; minus strand). Cytogenetic location: 1q42.3.
Variant type: Duplication.
Coding change: c.8122dup on transcript NM_000081.4 (MANE Select); coding-DNA position 8122, one base duplicated (T; older notation c.8122dupT).
Protein change: p.Tyr2708fs; shifts the reading frame from tyrosine 2708.
Molecular consequence: frameshift variant.
Genome position (GRCh38, 1-based): chr1:235,744,008, A duplicated on the plus strand (T on the coding strand, the reverse complement: LYST is on the minus strand). VCF-style (leftmost placement, unchanged base first): chr1-235744007-T-TA. GRCh37 (hg19) VCF-style: chr1-235907307-T-TA.
Other names: c.8122dup, p.Tyr2708fs (NM_001301365.1); short protein forms Y2708fs.
Identifiers: ClinVar variation 2816309 (VCV002816309.3), dbSNP rs778490429, ClinGen allele CA1465947.